The following is an entry in ClinVar:

ClinVar aggregate classification (germline): Likely benign. Review status: criteria provided, multiple submitters, no conflicts (2 of 4 stars). 2 submissions from 2 submitters: Likely benign (2). Last evaluated 2025-12-06.

Allele frequency attached by ClinVar (database versions not stated): gnomAD 0.00001; gnomAD exomes 0.00002; TOPMed below 0.00001; ExAC 0.00003.

Submissions (2):

Mayo Clinic Laboratories, Mayo Clinic
Classification: Likely benign. Last evaluated: 2025-12-06. Review status: criteria provided, single submitter. Criteria: ACMG Guidelines, 2015. Collection method: clinical testing. Allele origin: germline. Observed: 1 variant allele.
Comment: BP4, BP7

Labcorp Genetics (formerly Invitae), Labcorp
Classification: Likely benign. Last evaluated: 2018-05-16. Review status: criteria provided, single submitter. Criteria: Invitae Variant Classification Sherloc (09022015). Collection method: clinical testing. Allele origin: germline.

NM_003793.4(CTSF):c.627C>T (p.Ser209=)

Gene: CTSF (cathepsin F; minus strand). Cytogenetic location: 11q13.2.
Variant type: single nucleotide variant.
Coding change: c.627C>T on transcript NM_003793.4 (MANE Select); coding-DNA position 627, C replaced by T.
Protein change: p.Ser209=; no amino-acid change (serine 209 retained).
Molecular consequence: synonymous variant.
Genome position (GRCh38, 1-based): chr11:66,566,385, G>A on the plus strand (C>T on the coding strand, the complement: CTSF is on the minus strand). VCF-style: chr11-66566385-G-A. GRCh37 (hg19) VCF-style: chr11-66333856-G-A.
Other names: p.Ser209=.
Identifiers: ClinVar variation 791692 (VCV000791692.4), dbSNP rs758444005, ClinGen allele CA6125495.